The following is an entry in ClinVar:

ClinVar aggregate classification (germline): Uncertain significance (1 of 4 stars; one submission).

Allele frequency attached by ClinVar (database versions not stated): TOPMed below 0.00001; ExAC 0.00001.

Submission:

Labcorp Genetics (formerly Invitae), Labcorp
Classification: Uncertain significance. Last evaluated: 2022-10-17. Review status: criteria provided, single submitter. Criteria: Invitae Variant Classification Sherloc (09022015). Collection method: clinical testing. Allele origin: germline.
Comment: This sequence change replaces glutamic acid, which is acidic and polar, with glutamine, which is neutral and polar, at codon 1333 of the KMT2C protein (p.Glu1333Gln). The frequency data for this variant in the population databases is considered unreliable, as metrics indicate poor data quality at this position in the gnomAD database. This variant has not been reported in the literature in individuals affected with KMT2C-related conditions. Advanced modeling of protein sequence and biophysical properties (such as structural, functional, and spatial information, amino acid conservation, physicochemical variation, residue mobility, and thermodynamic stability) performed at Invitae indicates that this missense variant is not expected to disrupt KMT2C protein function. In summary, the available evidence is currently insufficient to determine the role of this variant in disease. Therefore, it has been classified as a Variant of Uncertain Significance.

NM_170606.3(KMT2C):c.3997G>C (p.Glu1333Gln)

Gene: KMT2C (lysine methyltransferase 2C; minus strand). Cytogenetic location: 7q36.1.
Variant type: single nucleotide variant.
Coding change: c.3997G>C on transcript NM_170606.3 (MANE Select); coding-DNA position 3997, G replaced by C.
Protein change: p.Glu1333Gln; replaces glutamic acid 1333 with glutamine.
Molecular consequence: missense variant.
Genome position (GRCh38, 1-based): chr7:152,203,029, C>G on the plus strand (G>C on the coding strand, the complement: KMT2C is on the minus strand). VCF-style: chr7-152203029-C-G. GRCh37 (hg19) VCF-style: chr7-151900114-C-G.
Other names: short protein forms E1333Q.
Identifiers: ClinVar variation 1976642 (VCV001976642.5), dbSNP rs753054387, ClinGen allele CA4580666.